The following is an entry in ClinVar:

ClinVar aggregate classification (germline): Uncertain significance (1 of 4 stars; one submission).

Conditions:
Walker-Warburg congenital muscular dystrophy. Also called: Muscular dystrophy-dystroglycanopathy, type A; Walker-Warburg syndrome. Identifiers: Orphanet 899, MedGen C0265221, MONDO:0000171.

Submission:

Labcorp Genetics (formerly Invitae), Labcorp
Classification: Uncertain significance for Walker-Warburg congenital muscular dystrophy. Last evaluated: 2022-01-23. Review status: criteria provided, single submitter. Criteria: Invitae Variant Classification Sherloc (09022015). Collection method: clinical testing. Allele origin: germline.
Comment: This sequence change replaces aspartic acid, which is acidic and polar, with glycine, which is neutral and non-polar, at codon 84 of the FKRP protein (p.Asp84Gly). This variant is not present in population databases (gnomAD no frequency). This missense change has been observed in individual(s) with clinical features of FKRP-related disease (Invitae). In at least one individual the data is consistent with being in trans (on the opposite chromosome) from a pathogenic variant. Algorithms developed to predict the effect of missense changes on protein structure and function are either unavailable or do not agree on the potential impact of this missense change (SIFT: "Deleterious"; PolyPhen-2: "Possibly Damaging"; Align-GVGD: "Class C0"). This variant disrupts the p.Asp84 amino acid residue in FKRP. Other variant(s) that disrupt this residue have been observed in individuals with FKRP-related conditions (PMID: 33200426; Invitae), which suggests that this may be a clinically significant amino acid residue. In summary, the available evidence is currently insufficient to determine the role of this variant in disease. Therefore, it has been classified as a Variant of Uncertain Significance.

Literature cited by the submitters: PubMed 33200426.

NM_024301.5(FKRP):c.251A>G (p.Asp84Gly)

Gene: FKRP (fukutin related protein; plus strand). Cytogenetic location: 19q13.32.
Variant type: single nucleotide variant.
Coding change: c.251A>G on transcript NM_024301.5 (MANE Select); coding-DNA position 251, A replaced by G.
Protein change: p.Asp84Gly; replaces aspartic acid 84 with glycine.
Molecular consequence: missense variant.
Genome position (GRCh38, 1-based): chr19:46,755,701, A>G. VCF-style: chr19-46755701-A-G. GRCh37 (hg19) VCF-style: chr19-47258958-A-G.
Other names: c.251A>G, p.Asp84Gly (NM_001039885.3); short protein forms D84G.
Identifiers: ClinVar variation 1387109 (VCV001387109.5), dbSNP rs2122611834, ClinGen allele CA406494965.